The following is an entry in ClinVar:

ClinVar aggregate classification (germline): Uncertain significance (1 of 4 stars; one submission).

Conditions:
Hypertrophic cardiomyopathy 26. Also called: Cardiomyopathy, familial hypertrophic, 26. Identifiers: Orphanet 75249, MedGen C4310749, MONDO:0014883, OMIM 617047.
Myofibrillar myopathy 5. Also called: Filaminopathy (type); FILAMINOPATHY, AUTOSOMAL DOMINANT. Identifiers: Orphanet 171445, MedGen C1836050, MONDO:0012289, OMIM 609524.
Distal myopathy with posterior leg and anterior hand involvement. Also called: WILLIAMS DISTAL MYOPATHY. Identifiers: Orphanet 63273, MedGen C3279722, MONDO:0013550, OMIM 614065.

Allele frequency attached by ClinVar (database versions not stated): gnomAD exomes below 0.00001.
gnomAD v4.1: 1 of 1,613,074 alleles (0.000062%); highest among the groups gnomAD compares: Non-Finnish European, 0.000085%; no homozygotes.

Submission:

Labcorp Genetics (formerly Invitae), Labcorp
Classification: Uncertain significance for Distal myopathy with posterior leg and anterior hand involvement; Myofibrillar myopathy 5; Hypertrophic cardiomyopathy 26. Last evaluated: 2022-12-21. Review status: criteria provided, single submitter. Criteria: Invitae Variant Classification Sherloc (09022015). Collection method: clinical testing. Allele origin: germline.
Comment: In summary, the available evidence is currently insufficient to determine the role of this variant in disease. Therefore, it has been classified as a Variant of Uncertain Significance. Advanced modeling of protein sequence and biophysical properties (such as structural, functional, and spatial information, amino acid conservation, physicochemical variation, residue mobility, and thermodynamic stability) has been performed at Invitae for this missense variant, however the output from this modeling did not meet the statistical confidence thresholds required to predict the impact of this variant on FLNC protein function. This variant has not been reported in the literature in individuals affected with FLNC-related conditions. This variant is not present in population databases (gnomAD no frequency). This sequence change replaces glycine, which is neutral and non-polar, with arginine, which is basic and polar, at codon 67 of the FLNC protein (p.Gly67Arg).

NM_001458.5(FLNC):c.199G>A (p.Gly67Arg)

Gene: FLNC (filamin C; plus strand). Cytogenetic location: 7q32.1.
Variant type: single nucleotide variant.
Coding change: c.199G>A on transcript NM_001458.5 (MANE Select); coding-DNA position 199, G replaced by A.
Protein change: p.Gly67Arg; replaces glycine 67 with arginine.
Molecular consequence: missense variant.
Genome position (GRCh38, 1-based): chr7:128,830,836, G>A. VCF-style: chr7-128830836-G-A. GRCh37 (hg19) VCF-style: chr7-128470890-G-A.
Other names: c.199G>A, p.Gly67Arg (NM_001127487.2); short protein forms G67R.
Identifiers: ClinVar variation 2942548 (VCV002942548.3), dbSNP rs2536605381, ClinGen allele CA369216291.
Genomic context (GRCh38, chr7:128,830,836, plus strand): 5'-AATGAGCACCTCAAGTGCGTGGGCAAGCGCCTGACCGACCTGCAGCGCGACCTCAGCGAC[G>A]GGCTCCGGCTCATCGCGCTGCTCGAGGTGCTCAGCCAGAAGCGCATGTACCGCAAGTTCC-3'
Protein context (NP_001449.3, residues 57-77): LTDLQRDLSD[Gly67Arg]LRLIALLEVL